The following is an entry in ClinVar:

ClinVar aggregate classification (germline): Uncertain significance (1 of 4 stars; one submission).

Submission:

Labcorp Genetics (formerly Invitae), Labcorp
Classification: Uncertain significance. Last evaluated: 2024-03-08. Review status: criteria provided, single submitter. Criteria: Invitae Variant Classification Sherloc (09022015). Collection method: clinical testing. Allele origin: germline.
Comment: This sequence change replaces serine, which is neutral and polar, with glycine, which is neutral and non-polar, at codon 3 of the DLL1 protein (p.Ser3Gly). This variant is present in population databases (no rsID available, gnomAD 0.005%). This variant has not been reported in the literature in individuals affected with DLL1-related conditions. Algorithms developed to predict the effect of missense changes on protein structure and function output the following: SIFT: "Not Available"; PolyPhen-2: "Benign"; Align-GVGD: "Not Available". The glycine amino acid residue is found in multiple mammalian species, which suggests that this missense change does not adversely affect protein function. In summary, the available evidence is currently insufficient to determine the role of this variant in disease. Therefore, it has been classified as a Variant of Uncertain Significance.

NM_005618.4(DLL1):c.7A>G (p.Ser3Gly)

Gene: DLL1 (delta like canonical Notch ligand 1; minus strand). Cytogenetic location: 6q27.
Variant type: single nucleotide variant.
Coding change: c.7A>G on transcript NM_005618.4 (MANE Select); coding-DNA position 7, A replaced by G.
Protein change: p.Ser3Gly; replaces serine 3 with glycine.
Molecular consequence: missense variant.
Genome position (GRCh38, 1-based): chr6:170,290,133, T>C on the plus strand (A>G on the coding strand, the complement: DLL1 is on the minus strand). VCF-style: chr6-170290133-T-C. GRCh37 (hg19) VCF-style: chr6-170599221-T-C.
Other names: short protein forms S3G.
Identifiers: ClinVar variation 3680070 (VCV003680070.2).